The following is an entry in ClinVar:

ClinVar aggregate classification (germline): Uncertain significance (1 of 4 stars; one submission).

Submission:

GeneDx
Classification: Uncertain significance. Last evaluated: 2016-03-09. Review status: criteria provided, single submitter. Criteria: GeneDx Variant Classification (06012015). Collection method: clinical testing. Allele origin: germline. Affected: yes.
Comment: The W697X variant in the PDE10A gene has not been reported previously as a pathogenic variant nor as a benign variant, to our knowledge. This variant is predicted to cause loss of normal protein function either through protein truncation or nonsense-mediated mRNA decay. The W697X variant was not observed in approximately 6500 individuals of European and African American ancestry in the NHLBI Exome Sequencing Project, indicating it is not a common benign variant in these populations. We interpret W697X as a variant of uncertain significance.

NM_001385079.1(PDE10A):c.2889G>A (p.Trp963Ter)

Gene: PDE10A (phosphodiesterase 10A; minus strand). Cytogenetic location: 6q27.
Variant type: single nucleotide variant.
Coding change: c.2889G>A on transcript NM_001385079.1 (MANE Select); coding-DNA position 2889, G replaced by A.
Protein change: p.Trp963Ter; replaces tryptophan 963 with a stop codon.
Molecular consequence: nonsense.
Genome position (GRCh38, 1-based): chr6:165,343,397, C>T on the plus strand (G>A on the coding strand, the complement: PDE10A is on the minus strand). VCF-style: chr6-165343397-C-T. GRCh37 (hg19) VCF-style: chr6-165756886-C-T.
Other names: c.2091G>A, p.Trp697Ter (NM_001130690.3); c.2061G>A, p.Trp687Ter (NM_006661.4); short protein forms W697*, W687*, W963*.
Identifiers: ClinVar variation 488874 (VCV000488874.1), dbSNP rs1554240201, ClinGen allele CA366387940.